The following is an entry in ClinVar:

NM_017721.5(CC2D1A):c.1178A>G (p.Lys393Arg)

Gene: CC2D1A (coiled-coil and C2 domain containing 1A; plus strand). Cytogenetic location: 19p13.12.
Variant type: single nucleotide variant.
Coding change: c.1178A>G on transcript NM_017721.5 (MANE Select); coding-DNA position 1178, A replaced by G.
Protein change: p.Lys393Arg; replaces lysine 393 with arginine.
Molecular consequence: missense variant.
Genome position (GRCh38, 1-based): chr19:13,919,158, A>G. VCF-style: chr19-13919158-A-G. GRCh37 (hg19) VCF-style: chr19-14029971-A-G.
Other names: c.1178A>G, p.Lys393Arg (NM_001411138.1); short protein forms K393R.
Identifiers: ClinVar variation 4606403 (VCV004606403.1).
Genomic context (GRCh38, chr19:13,919,158, plus strand): 5'-ACAGGCAGCCCTAACACCTGTGGCCCTCGCAGCAATACCAAGATGCCATCCGAGCCCACA[A>G]GGCTGGCCGAGCCGTGGATGTCGCTGAATTGCCCGTGCCCCCAGGTAGGCCTTGCCCCTG-3'
Protein context (NP_060191.3, residues 383-403): KQYQDAIRAH[Lys393Arg]AGRAVDVAEL

ClinVar aggregate classification (germline): Uncertain significance (1 of 4 stars; one submission).

Conditions:
Inborn genetic diseases. Identifiers: MedGen C0950123, MeSH D030342.

Submission:

Ambry Genetics
Classification: Uncertain significance for Inborn genetic diseases. Last evaluated: 2025-10-02. Review status: criteria provided, single submitter. Criteria: Ambry Variant Classification Scheme 2023. Collection method: clinical testing. Allele origin: germline.
Comment: The c.1178A>G (p.K393R) alteration is located in exon 11 (coding exon 11) of the CC2D1A gene. This alteration results from a A to G substitution at nucleotide position 1178, causing the lysine (K) at amino acid position 393 to be replaced by an arginine (R). Based on data from gnomAD, the G allele has an overall frequency of <0.001% (1/245634) total alleles studied. The highest observed frequency was 0.003% (1/30558) of South Asian alleles. Based on insufficient or conflicting evidence, the clinical significance of this alteration remains unclear.